The following is an entry in ClinVar:

NM_002432.3(MNDA):c.586G>A (p.Ala196Thr)

Gene: MNDA (myeloid cell nuclear differentiation antigen; plus strand). Cytogenetic location: 1q23.1.
Variant type: single nucleotide variant.
Coding change: c.586G>A on transcript NM_002432.3 (MANE Select); coding-DNA position 586, G replaced by A.
Protein change: p.Ala196Thr; replaces alanine 196 with threonine.
Molecular consequence: missense variant.
Genome position (GRCh38, 1-based): chr1:158,845,602, G>A. VCF-style: chr1-158845602-G-A. GRCh37 (hg19) VCF-style: chr1-158815392-G-A.
Other names: short protein forms A196T.
Identifiers: ClinVar variation 3295452 (VCV003295452.1).

ClinVar aggregate classification (germline): Uncertain significance (1 of 4 stars; one submission).

gnomAD v4.1: 1 of 1,611,610 alleles (0.000062%); highest among the groups gnomAD compares: Admixed American, 0.0017%; no homozygotes.

Submission:

Ambry Genetics
Classification: Uncertain significance. Last evaluated: 2024-06-02. Review status: criteria provided, single submitter. Criteria: Ambry Variant Classification Scheme 2023. Collection method: clinical testing. Allele origin: germline.
Comment: The p.A196T variant (also known as c.586G>A), located in coding exon 4 of the MNDA gene, results from a G to A substitution at nucleotide position 586. The alanine at codon 196 is replaced by threonine, an amino acid with similar properties. This amino acid position is conserved. In addition, this alteration is predicted to be tolerated by in silico analysis. Based on the available evidence, the clinical significance of this variant remains unclear.